The following is an entry in ClinVar:

NM_015047.3(EMC1):c.1234AAG[1] (p.Lys413del)

Genes: EMC1 (ER membrane protein complex subunit 1; minus strand), EMC1-AS1 (EMC1 antisense RNA 1; plus strand). Cytogenetic location: 1p36.13.
Variant type: Microsatellite.
Coding change: c.1234AAG[1] on transcript NM_015047.3 (MANE Select); one copy of the 3-base unit AAG starting at c.1234; the reference has two copies in a row; one copy, 3 bases deleted.
Protein change: p.Lys413del; deletes lysine 413.
Genome position (GRCh38, 1-based): chr1:19,237,212-19,237,214, CTT deleted on the plus strand (AAG on the coding strand, the reverse complement: EMC1 is on the minus strand); deleting any 3 consecutive bases within chr1:19,237,212-19,237,218 gives the same sequence; the position shown is the placement nearest the transcript's 3' end. VCF-style (leftmost placement, unchanged base first): chr1-19237211-CCTT-C. GRCh37 (hg19) VCF-style: chr1-19563705-CCTT-C.
Other names: c.1231AAG[1], p.Lys412del (NM_001271427.2, NM_001375821.1); c.1234AAG[1], p.Lys413del (NM_001271428.2, NM_001375820.1); c.1168AAG[1], p.Lys391del (NM_001271429.2); short protein forms K412del, K413del, K391del.
Identifiers: ClinVar variation 3674639 (VCV003674639.2).

ClinVar aggregate classification (germline): Uncertain significance (1 of 4 stars; one submission).

Submission:

Labcorp Genetics (formerly Invitae), Labcorp
Classification: Uncertain significance. Last evaluated: 2025-11-05. Review status: criteria provided, single submitter. Criteria: Invitae Variant Classification Sherloc (09022015). Collection method: clinical testing. Allele origin: germline.
Comment: This variant, c.1237_1239del, results in the deletion of 1 amino acid(s) of the EMC1 protein (p.Lys413del), but otherwise preserves the integrity of the reading frame. This variant is present in population databases (no rsID available, gnomAD 0.003%). This variant has not been reported in the literature in individuals affected with EMC1-related conditions. Experimental studies and prediction algorithms are not available or were not evaluated, and the functional significance of this variant is currently unknown. In summary, the available evidence is currently insufficient to determine the role of this variant in disease. Therefore, it has been classified as a Variant of Uncertain Significance.